The following is an entry in ClinVar:

ClinVar aggregate classification (germline): Uncertain significance. Review status: criteria provided, multiple submitters, no conflicts (2 of 4 stars). 2 submissions from 2 submitters: Uncertain significance (2). Last evaluated 2023-04-24.

Conditions:
Myopathy, congenital, progressive, with scoliosis. Also called: CONGENITAL MYOPATHY 19. Identifiers: MedGen C5231417, MONDO:0032821, OMIM 618578.
Alveolar rhabdomyosarcoma (RMS2). Also called: RHABDOMYOSARCOMA 2; Alveolar rhabdomyosarcoma (disease). Identifiers: Orphanet 780, Orphanet 99756, MedGen C0206655, MONDO:0009994, OMIM 268220, HP:0006779.

gnomAD v4.1: 71 of 1,613,776 alleles (0.0044%); highest among the groups gnomAD compares: South Asian, 0.0066%; no homozygotes.

Submissions (2):

Department of Pathology and Laboratory Medicine, Sinai Health System
Classification: Uncertain significance for Alveolar rhabdomyosarcoma; Myopathy, congenital, progressive, with scoliosis. Last evaluated: 2023-04-24. Review status: criteria provided, single submitter. Criteria: ACMG Guidelines, 2015. Collection method: research. Allele origin: germline.

Juno Genomics, Hangzhou Juno Genomics, Inc
Classification: Uncertain significance for Myopathy, congenital, progressive, with scoliosis; Alveolar rhabdomyosarcoma. Review status: criteria provided, single submitter. Criteria: ACMG Guidelines, 2015. Collection method: clinical testing. Allele origin: germline.
Comment: Absent from controls (or at extremely low frequency if recessive) in Genome Aggregation Database.;Multiple lines of computational evidence support a deleterious effect on the gene or gene product.

NM_001135254.2(PAX7):c.304G>A (p.Gly102Ser)

Gene: PAX7 (paired box 7; plus strand). Cytogenetic location: 1p36.13.
Variant type: single nucleotide variant.
Coding change: c.304G>A on transcript NM_001135254.2 (MANE Select); coding-DNA position 304, G replaced by A.
Protein change: p.Gly102Ser; replaces glycine 102 with serine.
Molecular consequence: missense variant.
Genome position (GRCh38, 1-based): chr1:18,634,521, G>A. VCF-style: chr1-18634521-G-A. GRCh37 (hg19) VCF-style: chr1-18961015-G-A.
Other names: c.304G>A, p.Gly102Ser (NM_002584.3, NM_013945.3); short protein forms G102S.
Identifiers: ClinVar variation 3891909 (VCV003891909.3).